The following is an entry in ClinVar:

NM_000075.4(CDK4):c.125G>C (p.Gly42Ala)

Genes: CDK4 (cyclin dependent kinase 4; minus strand), LOC130008148 (ATAC-STARR-seq lymphoblastoid silent region 4588; plus strand). Cytogenetic location: 12q14.1.
Variant type: single nucleotide variant.
Coding change: c.125G>C on transcript NM_000075.4 (MANE Select); coding-DNA position 125, G replaced by C.
Protein change: p.Gly42Ala; replaces glycine 42 with alanine.
Molecular consequence: missense variant.
Genome position (GRCh38, 1-based): chr12:57,751,593, C>G on the plus strand (G>C on the coding strand, the complement: CDK4 is on the minus strand). VCF-style: chr12-57751593-C-G. GRCh37 (hg19) VCF-style: chr12-58145376-C-G.
Other names: short protein forms G42A.
Identifiers: ClinVar variation 3637632 (VCV003637632.2).

ClinVar aggregate classification (germline): Uncertain significance (1 of 4 stars; one submission).

Conditions:
Familial melanoma. Also called: Hereditary melanoma; Hereditary cutaneous melanoma. Identifiers: Orphanet 618, MedGen C1512419, MONDO:0018961.

Submission:

Labcorp Genetics (formerly Invitae), Labcorp
Classification: Uncertain significance for Familial melanoma. Last evaluated: 2024-09-24. Review status: criteria provided, single submitter. Criteria: Invitae Variant Classification Sherloc (09022015). Collection method: clinical testing. Allele origin: germline.
Comment: This sequence change replaces glycine, which is neutral and non-polar, with alanine, which is neutral and non-polar, at codon 42 of the CDK4 protein (p.Gly42Ala). This variant is not present in population databases (gnomAD no frequency). This variant has not been reported in the literature in individuals affected with CDK4-related conditions. Invitae Evidence Modeling of protein sequence and biophysical properties (such as structural, functional, and spatial information, amino acid conservation, physicochemical variation, residue mobility, and thermodynamic stability) indicates that this missense variant is not expected to disrupt CDK4 protein function with a negative predictive value of 95%. In summary, the available evidence is currently insufficient to determine the role of this variant in disease. Therefore, it has been classified as a Variant of Uncertain Significance.